The following is an entry in ClinVar:

ClinVar aggregate classification (germline): Uncertain significance. Review status: criteria provided, multiple submitters, no conflicts (2 of 4 stars). 2 submissions from 2 submitters: Uncertain significance (2). Last evaluated 2023-06-25.

Conditions:
Neuronal ceroid lipofuscinosis 8 northern epilepsy variant. Also called: EPILEPSY, PROGRESSIVE, WITH MENTAL RETARDATION; NORTHERN EPILEPSY. Identifiers: Orphanet 1947, MedGen C1864923, MONDO:0012391, OMIM 610003.

Allele frequency attached by ClinVar (database versions not stated): gnomAD exomes below 0.00001 and 0.00001; ExAC 0.00002.
gnomAD v4.1: 6 of 1,614,258 alleles (0.00037%); highest among the groups gnomAD compares: South Asian, 0.0055%; no homozygotes.

Submissions (2):

GeneDx
Classification: Uncertain significance. Last evaluated: 2023-06-25. Review status: criteria provided, single submitter. Criteria: GeneDx Variant Classification Process June 2021. Collection method: clinical testing. Allele origin: germline. Affected: yes.
Comment: Not observed at significant frequency in large population cohorts (gnomAD); In silico analysis supports that this missense variant has a deleterious effect on protein structure/function; Has not been previously published as pathogenic or benign to our knowledge

3billion
Classification: Uncertain significance for Neuronal ceroid lipofuscinosis 8 northern epilepsy variant. Last evaluated: 2022-01-03. Review status: criteria provided, single submitter. Criteria: ACMG Guidelines, 2015. Collection method: clinical testing. Allele origin: germline. Affected: yes. Observed: 1 homozygote.
Comment: The variantis observed at an extremely low frequency in the gnomAD v2.1.1 dataset (total allele frequency: 0.000012, PM2_M). In silico tool predictions suggest damaging effect of the variant on gene or gene product (REVEL: 0.869, 3CNET: 0.991, PP3_P). A missense variant is a common mechanism associated with Ceroid lipofuscinosis (PP2_P). Therefore, this variant is classified as uncertain significance according to the recommendation of ACMG/AMP guideline.

NM_018941.4(CLN8):c.570G>T (p.Trp190Cys)

Gene: CLN8 (CLN8 transmembrane ER and ERGIC protein; plus strand). Cytogenetic location: 8p23.3.
Variant type: single nucleotide variant.
Coding change: c.570G>T on transcript NM_018941.4 (MANE Select); coding-DNA position 570, G replaced by T.
Protein change: p.Trp190Cys; replaces tryptophan 190 with cysteine.
Molecular consequence: missense variant.
Genome position (GRCh38, 1-based): chr8:1,780,276, G>T. VCF-style: chr8-1780276-G-T. GRCh37 (hg19) VCF-style: chr8-1728442-G-T.
Other names: c.570G>T (NM_018941.3); short protein forms W190C.
Identifiers: ClinVar variation 1333622 (VCV001333622.2), dbSNP rs772518654, ClinGen allele CA4599312.